The following is an entry in ClinVar:

NM_139318.5(KCNH5):c.2019G>A (p.Arg673=)

Gene: KCNH5 (potassium voltage-gated channel subfamily H member 5; minus strand). Cytogenetic location: 14q23.2.
Variant type: single nucleotide variant.
Coding change: c.2019G>A on transcript NM_139318.5 (MANE Select); coding-DNA position 2019, G replaced by A.
Protein change: p.Arg673=; no amino-acid change (arginine 673 retained).
Molecular consequence: synonymous variant. On other transcripts: intron variant (1).
Genome position (GRCh38, 1-based): chr14:62,779,728, C>T on the plus strand (G>A on the coding strand, the complement: KCNH5 is on the minus strand). VCF-style: chr14-62779728-C-T. GRCh37 (hg19) VCF-style: chr14-63246446-C-T.
Other names: c.1822+22601G>A (NM_172375.3).
Identifiers: ClinVar variation 2729893 (VCV002729893.3), dbSNP rs2502755105, ClinGen allele CA486857118.

ClinVar aggregate classification (germline): Uncertain significance (1 of 4 stars; one submission).

Conditions:
Early-infantile DEE. Also called: Early infantile epileptic encephalopathy; Early infantile epileptic encephalopathy with suppression bursts; Ohtahara syndrome. Identifiers: Orphanet 1934, MedGen C0393706, MONDO:0800491.

Allele frequency attached by ClinVar (database versions not stated): gnomAD exomes below 0.00001.
gnomAD v4.1: 1 of 1,610,918 alleles (0.000062%); highest among the groups gnomAD compares: Non-Finnish European, 0.000085%; no homozygotes.

Submission:

Labcorp Genetics (formerly Invitae), Labcorp
Classification: Uncertain significance for Early-infantile DEE. Last evaluated: 2024-12-08. Review status: criteria provided, single submitter. Criteria: Invitae Variant Classification Sherloc (09022015). Collection method: clinical testing. Allele origin: germline.
Comment: This sequence change affects codon 673 of the KCNH5 mRNA. It is a 'silent' change, meaning that it does not change the encoded amino acid sequence of the KCNH5 protein. This variant also falls at the last nucleotide of exon 10, which is part of the consensus splice site for this exon. This variant is not present in population databases (gnomAD no frequency). This variant has not been reported in the literature in individuals affected with KCNH5-related conditions. ClinVar contains an entry for this variant (Variation ID: 2729893). Variants that disrupt the consensus splice site are a relatively common cause of aberrant splicing (PMID: 17576681, 9536098). Algorithms developed to predict the effect of sequence changes on RNA splicing suggest that this variant is not likely to affect RNA splicing. In summary, the available evidence is currently insufficient to determine the role of this variant in disease. Therefore, it has been classified as a Variant of Uncertain Significance.

Literature cited by the submitters: PubMed 17576681; PubMed 9536098.